The following is an entry in ClinVar:

ClinVar aggregate classification (germline): Likely benign (1 of 4 stars; one submission).

Conditions:
PCNT-related disorder. Also called: PCNT-related condition.

gnomAD v4.1: 1 of 1,611,344 alleles (0.000062%); highest among the groups gnomAD compares: East Asian, 0.0022%; no homozygotes.

Submission:

PreventionGenetics, part of Exact Sciences
Classification: Likely benign for PCNT-related condition. Last evaluated: 2025-04-21. Review status: criteria provided, single submitter. Criteria: ACMG Guidelines, 2015. Collection method: clinical testing. Allele origin: germline.
Comment: This variant is classified as likely benign based on ACMG/AMP sequence variant interpretation guidelines (Richards et al. 2015 PMID: 25741868, with internal and published modifications).

NM_006031.6(PCNT):c.6105C>T (p.Leu2035=)

Gene: PCNT (pericentrin; plus strand). Cytogenetic location: 21q22.3.
Variant type: single nucleotide variant.
Coding change: c.6105C>T on transcript NM_006031.6 (MANE Select); coding-DNA position 6105, C replaced by T.
Protein change: p.Leu2035=; no amino-acid change (leucine 2035 retained).
Molecular consequence: synonymous variant.
Genome position (GRCh38, 1-based): chr21:46,412,947, C>T. VCF-style: chr21-46412947-C-T. GRCh37 (hg19) VCF-style: chr21-47832861-C-T.
Other names: c.5751C>T, p.Leu1917= (NM_001315529.2).
Identifiers: ClinVar variation 4985574 (VCV004985574.1).
Genomic context (GRCh38, chr21:46,412,947, plus strand): 5'-GCAAGAAGGCGTGATGTCAGTGCTCACCGTCTGCCAGAGGCAGCTGCAGTCGGAGCTGCT[C>T]TTGGTGAAAAATGAAATGCGCCTGAGTCTGGAGGACGGCGGCAAGGTGTGGGGAGGGGGG-3'
Protein context (NP_006022.3, residues 2025-2045): VCQRQLQSEL[Leu2035=]LVKNEMRLSL